The following is an entry in ClinVar:

NM_015046.7(SETX):c.5942T>G (p.Leu1981Arg)

Gene: SETX (senataxin; minus strand). Cytogenetic location: 9q34.13.
Variant type: single nucleotide variant.
Coding change: c.5942T>G on transcript NM_015046.7 (MANE Select); coding-DNA position 5942, T replaced by G.
Protein change: p.Leu1981Arg; replaces leucine 1981 with arginine.
Molecular consequence: missense variant.
Genome position (GRCh38, 1-based): chr9:132,296,894, A>C on the plus strand (T>G on the coding strand, the complement: SETX is on the minus strand). VCF-style: chr9-132296894-A-C. GRCh37 (hg19) VCF-style: chr9-135172281-A-C.
Other names: c.5942T>G, p.Leu1981Arg (NM_001351527.2, NM_001351528.2); short protein forms L1981R.
Identifiers: ClinVar variation 3753922 (VCV003753922.2).

ClinVar aggregate classification (germline): Pathogenic (1 of 4 stars; one submission).

Conditions:
Amyotrophic lateral sclerosis type 4 (ALS4). Also called: AMYOTROPHIC LATERAL SCLEROSIS 4, JUVENILE; NEURONOPATHY, DISTAL HEREDITARY MOTOR, WITH PYRAMIDAL FEATURES. Identifiers: Orphanet 357043, MedGen C1865409, MONDO:0011223, OMIM 602433.
Spinocerebellar ataxia, autosomal recessive, with axonal neuropathy 2 (SCAN2). Also called: ATAXIA-OCULOMOTOR APRAXIA 2; Ataxia with Oculomotor Apraxia Type 2; Ataxia-ocular apraxia-2; Ataxia with Oculomotor Apraxia. Identifiers: Orphanet 64753, MedGen C1853761, MONDO:0018996, OMIM 606002.

gnomAD v4.1: 7 of 1,613,994 alleles (0.00043%); highest among the groups gnomAD compares: Non-Finnish European, 0.00059%; no homozygotes.

Submission:

Labcorp Genetics (formerly Invitae), Labcorp
Classification: Pathogenic for Amyotrophic lateral sclerosis type 4; Spinocerebellar ataxia, autosomal recessive, with axonal neuropathy 2. Last evaluated: 2025-07-25. Review status: criteria provided, single submitter. Criteria: Invitae Variant Classification Sherloc (09022015). Collection method: clinical testing. Allele origin: germline.
Comment: This sequence change replaces leucine, which is neutral and non-polar, with arginine, which is basic and polar, at codon 1981 of the SETX protein (p.Leu1981Arg). This variant is present in population databases (rs761941851, gnomAD 0.002%). This missense change has been observed in individual(s) with autosomal recessive spinocerebellar ataxia (internal data). In at least one individual the data is consistent with being in trans (on the opposite chromosome) from a pathogenic variant. It has also been observed to segregate with disease in related individuals. ClinVar contains an entry for this variant (Variation ID: 3753922). Invitae Evidence Modeling of protein sequence and biophysical properties (such as structural, functional, and spatial information, amino acid conservation, physicochemical variation, residue mobility, and thermodynamic stability) has been performed for this missense variant. However, the output from this modeling did not meet the statistical confidence thresholds required to predict the impact of this variant on SETX protein function. For these reasons, this variant has been classified as Pathogenic.